The following is an entry in ClinVar:

NM_032802.4(SPPL2A):c.1211C>T (p.Pro404Leu)

Gene: SPPL2A (signal peptide peptidase like 2A; minus strand). Cytogenetic location: 15q21.2.
Variant type: single nucleotide variant.
Coding change: c.1211C>T on transcript NM_032802.4 (MANE Select); coding-DNA position 1211, C replaced by T.
Protein change: p.Pro404Leu; replaces proline 404 with leucine.
Molecular consequence: missense variant.
Genome position (GRCh38, 1-based): chr15:50,725,259, G>A on the plus strand (C>T on the coding strand, the complement: SPPL2A is on the minus strand). VCF-style: chr15-50725259-G-A. GRCh37 (hg19) VCF-style: chr15-51017456-G-A.
Other names: short protein forms P404L.
Identifiers: ClinVar variation 1715470 (VCV001715470.5), dbSNP rs1487304011, ClinGen allele CA392408756.
Genomic context (GRCh38, chr15:50,725,259, plus strand): 5'-TAAAATTGTTACAATTGCTTACCTGGTACAATAATGTCTCCAAAACCCAATATTGAAACA[G>A]GCATGAGGCACACACTCATTACTGAGAAATAGATCAGTTTTGGTACTCTGATGACTACTG-3'
Protein context (NP_116191.2, residues 394-414): YFSVMSVCLM[Pro404Leu]VSILGFGDII

ClinVar aggregate classification (germline): Uncertain significance (1 of 4 stars; one submission).

Submission:

Labcorp Genetics (formerly Invitae), Labcorp
Classification: Uncertain significance. Last evaluated: 2022-08-07. Review status: criteria provided, single submitter. Criteria: Invitae Variant Classification Sherloc (09022015). Collection method: clinical testing. Allele origin: germline.
Comment: This variant is not present in population databases (gnomAD no frequency). In summary, the available evidence is currently insufficient to determine the role of this variant in disease. Therefore, it has been classified as a Variant of Uncertain Significance. Algorithms developed to predict the effect of missense changes on protein structure and function are either unavailable or do not agree on the potential impact of this missense change (SIFT: "Tolerated"; PolyPhen-2: "Possibly Damaging"; Align-GVGD: "Class C0"). This variant has not been reported in the literature in individuals affected with SPPL2A-related conditions. This sequence change replaces proline, which is neutral and non-polar, with leucine, which is neutral and non-polar, at codon 404 of the SPPL2A protein (p.Pro404Leu).